The following is an entry in ClinVar:

NM_006662.3(SRCAP):c.2101G>T (p.Ala701Ser)

Gene: SRCAP (Snf2 related CREBBP activator protein; plus strand). Cytogenetic location: 16p11.2.
Variant type: single nucleotide variant.
Coding change: c.2101G>T on transcript NM_006662.3 (MANE Select); coding-DNA position 2101, G replaced by T.
Protein change: p.Ala701Ser; replaces alanine 701 with serine.
Molecular consequence: missense variant.
Genome position (GRCh38, 1-based): chr16:30,712,786, G>T. VCF-style: chr16-30712786-G-T. GRCh37 (hg19) VCF-style: chr16-30724107-G-T.
Other names: short protein forms A701S.
Identifiers: ClinVar variation 3369391 (VCV003369391.1).
Genomic context (GRCh38, chr16:30,712,786, plus strand): 5'-AACTGGGAGATGGAGTTGAAACGGTGGTGCCCCAGCTTTAAAATCCTCACTTACTATGGA[G>T]CCCAGAAAGAGAGGAAGCTCAAGCGGCAGGTTCGATGTTTCATGTGGTCACTTTCCTCCC-3'
Protein context (NP_006653.2, residues 691-711): PSFKILTYYG[Ala701Ser]QKERKLKRQG

ClinVar aggregate classification (germline): Uncertain significance (1 of 4 stars; one submission).

Submission:

GeneDx
Classification: Uncertain significance. Last evaluated: 2024-02-22. Review status: criteria provided, single submitter. Criteria: GeneDx Variant Classification Process June 2021. Collection method: clinical testing. Allele origin: germline. Affected: yes.
Comment: Not observed at significant frequency in large population cohorts (gnomAD); In silico analysis supports that this missense variant does not alter protein structure/function; Has not been previously published as pathogenic or benign to our knowledge